The following is an entry in ClinVar:

ClinVar aggregate classification (germline): Uncertain significance. Review status: criteria provided, multiple submitters, no conflicts (2 of 4 stars). 2 submissions from 2 submitters: Uncertain significance (2). Last evaluated 2023-12-02.

Conditions:
Fraser syndrome 1 (FRASRS1). Also called: CRYPTOPHTHALMOS WITH OTHER MALFORMATIONS. Identifiers: Orphanet 2052, MedGen C4551480, MONDO:0054737, OMIM 219000.

Allele frequency attached by ClinVar (database versions not stated): ExAC 0.00001; gnomAD 0.00001 and 0.00002; gnomAD exomes 0.00001 and 0.00002; TOPMed 0.00002; 1000 Genomes Project 30x 0.00016; 1000 Genomes Project 0.00020.
gnomAD v4.1: 38 of 1,613,514 alleles (0.0024%); highest among the groups gnomAD compares: Non-Finnish European, 0.0031%; no homozygotes.

Submissions (2):

Labcorp Genetics (formerly Invitae), Labcorp
Classification: Uncertain significance. Last evaluated: 2023-12-02. Review status: criteria provided, single submitter. Criteria: Invitae Variant Classification Sherloc (09022015). Collection method: clinical testing. Allele origin: germline.
Comment: This sequence change replaces glutamic acid, which is acidic and polar, with alanine, which is neutral and non-polar, at codon 16 of the FRAS1 protein (p.Glu16Ala). This variant is present in population databases (rs554995505, gnomAD 0.002%). This variant has not been reported in the literature in individuals affected with FRAS1-related conditions. ClinVar contains an entry for this variant (Variation ID: 907055). Algorithms developed to predict the effect of missense changes on protein structure and function output the following: SIFT: "Not Available"; PolyPhen-2: "Benign"; Align-GVGD: "Not Available". The alanine amino acid residue is found in multiple mammalian species, which suggests that this missense change does not adversely affect protein function. In summary, the available evidence is currently insufficient to determine the role of this variant in disease. Therefore, it has been classified as a Variant of Uncertain Significance.

Illumina Laboratory Services, Illumina
Classification: Uncertain significance for Fraser syndrome 1. Last evaluated: 2018-01-13. Review status: criteria provided, single submitter. Criteria: ICSL Variant Classification Criteria 13 December 2019. Collection method: clinical testing. Allele origin: germline.

NM_025074.7(FRAS1):c.47A>C (p.Glu16Ala)

Gene: FRAS1 (Fraser extracellular matrix complex subunit 1; plus strand). Cytogenetic location: 4q21.21.
Variant type: single nucleotide variant.
Coding change: c.47A>C on transcript NM_025074.7 (MANE Select); coding-DNA position 47, A replaced by C.
Protein change: p.Glu16Ala; replaces glutamic acid 16 with alanine.
Molecular consequence: missense variant.
Genome position (GRCh38, 1-based): chr4:78,058,056, A>C. VCF-style: chr4-78058056-A-C. GRCh37 (hg19) VCF-style: chr4-78979210-A-C.
Other names: c.47A>C, p.Glu16Ala (NM_001166133.2); short protein forms E16A.
Identifiers: ClinVar variation 907055 (VCV000907055.6), dbSNP rs554995505, ClinGen allele CA2975767.
Genomic context (GRCh38, chr4:78,058,056, plus strand): 5'-GTGCCGAGGCGGCGATGGGTGTCCTCAAAGTGTGGCTCGGGCTGGCCCTAGCGTTGGCGG[A>C]ATTTGCAGTATTGCCTCATCATTCCGAAGGTGAGAGAGCGGTGCCGCGTGTGTGTGTGTG-3'
Protein context (NP_079350.5, residues 6-26): VWLGLALALA[Glu16Ala]FAVLPHHSEG